The following is an entry in ClinVar:

NM_000170.3(GLDC):c.2305C>G (p.Pro769Ala)

Gene: GLDC (glycine decarboxylase; minus strand). Cytogenetic location: 9p24.1.
Variant type: single nucleotide variant.
Coding change: c.2305C>G on transcript NM_000170.3 (MANE Select); coding-DNA position 2305, C replaced by G.
Protein change: p.Pro769Ala; replaces proline 769 with alanine.
Molecular consequence: missense variant.
Genome position (GRCh38, 1-based): chr9:6,554,679, G>C on the plus strand (C>G on the coding strand, the complement: GLDC is on the minus strand). VCF-style: chr9-6554679-G-C. GRCh37 (hg19) VCF-style: chr9-6554679-G-C.
Other names: short protein forms P769A.
Identifiers: ClinVar variation 1952482 (VCV001952482.5), dbSNP rs751114163, ClinGen allele CA372880023.

ClinVar aggregate classification (germline): Uncertain significance (1 of 4 stars; one submission).

Conditions:
Glycine encephalopathy. Also called: Non-ketotic hyperglycinemia; Nonketotic hyperglycinemia. Identifiers: Orphanet 407, MedGen C0751748, MONDO:0011612, HP:0008288.

Submission:

Labcorp Genetics (formerly Invitae), Labcorp
Classification: Uncertain significance for Glycine encephalopathy. Last evaluated: 2022-11-25. Review status: criteria provided, single submitter. Criteria: Invitae Variant Classification Sherloc (09022015). Collection method: clinical testing. Allele origin: germline.
Comment: This variant is not present in population databases (gnomAD no frequency). This sequence change replaces proline, which is neutral and non-polar, with alanine, which is neutral and non-polar, at codon 769 of the GLDC protein (p.Pro769Ala). This variant has not been reported in the literature in individuals affected with GLDC-related conditions. In summary, the available evidence is currently insufficient to determine the role of this variant in disease. Therefore, it has been classified as a Variant of Uncertain Significance. This variant disrupts the p.Pro769 amino acid residue in GLDC. Other variant(s) that disrupt this residue have been observed in individuals with GLDC-related conditions (PMID: 16450403, 27362913), which suggests that this may be a clinically significant amino acid residue. Advanced modeling of protein sequence and biophysical properties (such as structural, functional, and spatial information, amino acid conservation, physicochemical variation, residue mobility, and thermodynamic stability) performed at Invitae indicates that this missense variant is not expected to disrupt GLDC protein function.

Literature cited by the submitters: PubMed 16450403; PubMed 27362913.